The following is an entry in ClinVar:

ClinVar aggregate classification (germline): Uncertain significance (1 of 4 stars; one submission).

Conditions:
Mendelian susceptibility to mycobacterial diseases due to complete IL12RB1 deficiency. Also called: IL12RB1 DEFICIENCY; Immunodeficiency 30. Identifiers: Orphanet 319552, MedGen C4013949, MONDO:0013955, OMIM 614891.

Allele frequency attached by ClinVar (database versions not stated): gnomAD exomes below 0.00001.
gnomAD v4.1: 1 of 1,593,702 alleles (0.000063%); highest among the groups gnomAD compares: Admixed American, 0.0017%; no homozygotes.

Submission:

Labcorp Genetics (formerly Invitae), Labcorp
Classification: Uncertain significance for Mendelian susceptibility to mycobacterial diseases due to complete IL12RB1 deficiency. Last evaluated: 2021-03-09. Review status: criteria provided, single submitter. Criteria: Invitae Variant Classification Sherloc (09022015). Collection method: clinical testing. Allele origin: germline.
Comment: This sequence change replaces proline with serine at codon 142 of the IL12RB1 protein (p.Pro142Ser). The proline residue is highly conserved and there is a moderate physicochemical difference between proline and serine. This variant is not present in population databases (ExAC no frequency). This variant has not been reported in the literature in individuals with IL12RB1-related conditions. Algorithms developed to predict the effect of missense changes on protein structure and function (SIFT, PolyPhen-2, Align-GVGD) all suggest that this variant is likely to be disruptive, but these predictions have not been confirmed by published functional studies and their clinical significance is uncertain. In summary, the available evidence is currently insufficient to determine the role of this variant in disease. Therefore, it has been classified as a Variant of Uncertain Significance.

NM_005535.3(IL12RB1):c.424C>T (p.Pro142Ser)

Gene: IL12RB1 (interleukin 12 receptor subunit beta 1; minus strand). Cytogenetic location: 19p13.11.
Variant type: single nucleotide variant.
Coding change: c.424C>T on transcript NM_005535.3 (MANE Select); coding-DNA position 424, C replaced by T.
Protein change: p.Pro142Ser; replaces proline 142 with serine.
Molecular consequence: missense variant.
Genome position (GRCh38, 1-based): chr19:18,077,641, G>A on the plus strand (C>T on the coding strand, the complement: IL12RB1 is on the minus strand). VCF-style: chr19-18077641-G-A. GRCh37 (hg19) VCF-style: chr19-18188451-G-A.
Other names: c.424C>T, p.Pro142Ser (NM_001290023.2, NM_153701.3); c.544C>T, p.Pro182Ser (NM_001290024.2); short protein forms P142S, P182S.
Identifiers: ClinVar variation 1515423 (VCV001515423.8), dbSNP rs1422712526, ClinGen allele CA404789613.